The following is an entry in ClinVar:

NM_000466.3(PEX1):c.3118_3121del (p.Asp1040fs)

Genes: PEX1 (peroxisomal biogenesis factor 1; minus strand), GATAD1 (GATA zinc finger domain containing 1; plus strand). Cytogenetic location: 7q21.2.
Variant type: Deletion.
Coding change: c.3118_3121del on transcript NM_000466.3 (MANE Select); coding-DNA positions 3118 to 3121, 4 bases deleted (GACT; older notation c.3118_3121delGACT).
Protein change: p.Asp1040fs; shifts the reading frame from aspartic acid 1040.
Molecular consequence: frameshift variant.
Genome position (GRCh38, 1-based): chr7:92,493,039-92,493,042, AGTC deleted on the plus strand (GACT on the coding strand, the reverse complement: PEX1 is on the minus strand); deleting any 4 consecutive bases within chr7:92,493,039-92,493,045 gives the same sequence; the c. name uses the placement nearest the transcript's 3' end. VCF-style (leftmost placement, unchanged base first): chr7-92493038-GAGTC-G. GRCh37 (hg19) VCF-style: chr7-92122352-GAGTC-G.
Other names: c.2947_2950del, p.Asp983fs (NM_001282677.2); c.2494_2497del, p.Asp832fs (NM_001282678.2); short protein forms D983fs, D1040fs, D832fs.
Identifiers: ClinVar variation 2741136 (VCV002741136.3), dbSNP rs2484628973, ClinGen allele CA2697557382.
Genomic context (GRCh38, chr7:92,493,038, plus strand): 5'-CCATGTAAGGCCTCCAATTGGGCATTGTAAAGTAAAGCTTTCAGATCAGCTCCAGTAAAG[GAGTC>G]AGTTACTGATGCTACATGCTGAAGGTCAACATCATCTGCCAGAGGTAGAGAGTCACTGAG-3'

ClinVar aggregate classification (germline): Pathogenic (1 of 4 stars; one submission).

Conditions:
Zellweger spectrum disorders (ZS). Also called: Zellweger Spectrum Disorder (ZSD); Zellweger syndrome; Zellweger Spectrum Disorder; Zellweger Spectrum. Identifiers: Orphanet 912, MedGen C0043459, MONDO:0019609.

Submission:

Labcorp Genetics (formerly Invitae), Labcorp
Classification: Pathogenic for Zellweger spectrum disorders. Last evaluated: 2023-07-10. Review status: criteria provided, single submitter. Criteria: Invitae Variant Classification Sherloc (09022015). Collection method: clinical testing. Allele origin: germline.
Comment: This sequence change creates a premature translational stop signal (p.Asp1040Profs*7) in the PEX1 gene. It is expected to result in an absent or disrupted protein product. Loss-of-function variants in PEX1 are known to be pathogenic (PMID: 9398847, 16086329, 16141001, 21031596, 26387595, 31831025). This variant has not been reported in the literature in individuals affected with PEX1-related conditions. This variant is not present in population databases (gnomAD no frequency). For these reasons, this variant has been classified as Pathogenic.

Literature cited by the submitters: PubMed 9398847; PubMed 16086329; PubMed 16141001; PubMed 21031596; PubMed 26387595; PubMed 31831025.